The following is an entry in ClinVar:

NM_001384474.1(LOXHD1):c.867C>T (p.Gly289=)

Gene: LOXHD1 (lipoxygenase homology PLAT domains 1; minus strand). Cytogenetic location: 18q21.1.
Variant type: single nucleotide variant.
Coding change: c.867C>T on transcript NM_001384474.1 (MANE Select); coding-DNA position 867, C replaced by T.
Protein change: p.Gly289=; no amino-acid change (glycine 289 retained).
Molecular consequence: synonymous variant.
Genome position (GRCh38, 1-based): chr18:46,604,122, G>A on the plus strand (C>T on the coding strand, the complement: LOXHD1 is on the minus strand). VCF-style: chr18-46604122-G-A. GRCh37 (hg19) VCF-style: chr18-44184085-G-A.
Other names: c.867C>T, p.Gly289= (NM_144612.7); c.867C>T (NM_144612.6).
Identifiers: ClinVar variation 1101080 (VCV001101080.10), dbSNP rs748490817, ClinGen allele CA8952878.

ClinVar aggregate classification (germline): Likely benign. Review status: criteria provided, single submitter (1 of 4 stars). 2 submissions from 2 submitters: Likely benign (1). 1 of the submissions does not count toward it. Last evaluated 2024-02-29.

Conditions:
LOXHD1-related disorder. Also called: LOXHD1-related condition.

Allele frequency attached by ClinVar (database versions not stated): gnomAD exomes 0.00003 and 0.00004; gnomAD 0.00004 and 0.00006; ExAC 0.00014; 1000 Genomes Project 30x 0.00031.
gnomAD v4.1: 48 of 1,551,700 alleles (0.0031%); highest among the groups gnomAD compares: South Asian, 0.02%; no homozygotes.

Submissions (2):

Labcorp Genetics (formerly Invitae), Labcorp
Classification: Likely benign. Last evaluated: 2024-02-29. Review status: criteria provided, single submitter. Criteria: Invitae Variant Classification Sherloc (09022015). Collection method: clinical testing. Allele origin: germline.

PreventionGenetics, part of Exact Sciences
Classification: Likely benign for LOXHD1-related condition. Last evaluated: 2019-03-04. Review status: no assertion criteria provided. Collection method: clinical testing. Allele origin: germline. Not counted in ClinVar's aggregate classification.
Comment: This variant is classified as likely benign based on ACMG/AMP sequence variant interpretation guidelines (Richards et al. 2015 PMID: 25741868, with internal and published modifications).